The following is an entry in ClinVar:

ClinVar aggregate classification (germline): Uncertain significance (1 of 4 stars; one submission).

Conditions:
Multiple congenital anomalies-hypotonia-seizures syndrome 2 (MCAHS2). Also called: EPILEPTIC ENCEPHALOPATHY, EARLY INFANTILE, 20; GLYCOSYLPHOSPHATIDYLINOSITOL BIOSYNTHESIS DEFECT 4. Identifiers: Orphanet 300496, MedGen C3275508, MONDO:0010466, OMIM 300868.

Submission:

Labcorp Genetics (formerly Invitae), Labcorp
Classification: Uncertain significance for Multiple congenital anomalies-hypotonia-seizures syndrome 2. Last evaluated: 2024-11-06. Review status: criteria provided, single submitter. Criteria: Invitae Variant Classification Sherloc (09022015). Collection method: clinical testing. Allele origin: germline.
Comment: This sequence change replaces leucine, which is neutral and non-polar, with phenylalanine, which is neutral and non-polar, at codon 355 of the PIGA protein (p.Leu355Phe). This variant is not present in population databases (gnomAD no frequency). This variant has not been reported in the literature in individuals affected with PIGA-related conditions. Invitae Evidence Modeling of protein sequence and biophysical properties (such as structural, functional, and spatial information, amino acid conservation, physicochemical variation, residue mobility, and thermodynamic stability) has been performed for this missense variant. However, the output from this modeling did not meet the statistical confidence thresholds required to predict the impact of this variant on PIGA protein function. In summary, the available evidence is currently insufficient to determine the role of this variant in disease. Therefore, it has been classified as a Variant of Uncertain Significance.

NM_002641.4(PIGA):c.1065G>T (p.Leu355Phe)

Gene: PIGA (phosphatidylinositol glycan anchor biosynthesis class A; minus strand). Cytogenetic location: Xp22.2.
Variant type: single nucleotide variant.
Coding change: c.1065G>T on transcript NM_002641.4 (MANE Select); coding-DNA position 1065, G replaced by T.
Protein change: p.Leu355Phe; replaces leucine 355 with phenylalanine.
Molecular consequence: missense variant. On other transcripts: non-coding transcript variant (2).
Genome position (GRCh38, 1-based): chrX:15,324,788, C>A on the plus strand (G>T on the coding strand, the complement: PIGA is on the minus strand). VCF-style: chrX-15324788-C-A. GRCh37 (hg19) VCF-style: chrX-15342910-C-A.
Other names: c.363G>T, p.Leu121Phe (NM_020473.3); short protein forms L355F, L121F.
Identifiers: ClinVar variation 3719721 (VCV003719721.2).
Genomic context (GRCh38, chrX:15,324,788, plus strand): 5'-TTCTGGAGCTGGCAATGTCCCTGACTTCAGTTGGAAAATAGCCTTTTCCAATCCTTCACA[C>A]AAAGATTTTACTGAAGGCTCACATAAAATAATAAGGTTTTCTGGAAGCACCTCAGGAATT-3'
Protein context (NP_002632.1, residues 345-365): IILCEPSVKS[Leu355Phe]CEGLEKAIFQ